The following is an entry in ClinVar:

ClinVar aggregate classification (germline): Uncertain significance (1 of 4 stars; one submission).

Allele frequency attached by ClinVar (database versions not stated): gnomAD exomes below 0.00001.
gnomAD v4.1: 2 of 1,550,416 alleles (0.00013%); highest among the groups gnomAD compares: Non-Finnish European, 0.00017%; no homozygotes.

Submission:

Labcorp Genetics (formerly Invitae), Labcorp
Classification: Uncertain significance. Last evaluated: 2022-03-20. Review status: criteria provided, single submitter. Criteria: Invitae Variant Classification Sherloc (09022015). Collection method: clinical testing. Allele origin: germline.
Comment: This sequence change replaces arginine, which is basic and polar, with glycine, which is neutral and non-polar, at codon 3094 of the EYS protein (p.Arg3094Gly). This variant is not present in population databases (gnomAD no frequency). This variant has not been reported in the literature in individuals affected with EYS-related conditions. Algorithms developed to predict the effect of missense changes on protein structure and function are either unavailable or do not agree on the potential impact of this missense change (SIFT: "Deleterious"; PolyPhen-2: "Benign"; Align-GVGD: "Class C0"). In summary, the available evidence is currently insufficient to determine the role of this variant in disease. Therefore, it has been classified as a Variant of Uncertain Significance.

NM_001142800.2(EYS):c.9280A>G (p.Arg3094Gly)

Genes: EYS (eyes shut homolog; minus strand), PHF3 (PHD finger protein 3; plus strand). Cytogenetic location: 6q12.
Variant type: single nucleotide variant.
Coding change: c.9280A>G on transcript NM_001142800.2 (MANE Select); coding-DNA position 9280, A replaced by G.
Protein change: p.Arg3094Gly; replaces arginine 3094 with glycine.
Molecular consequence: missense variant. On other transcripts: 3 prime UTR variant (5).
Genome position (GRCh38, 1-based): chr6:63,720,751, T>C on the plus strand (A>G on the coding strand, the complement: EYS is on the minus strand). VCF-style: chr6-63720751-T-C. GRCh37 (hg19) VCF-style: chr6-64430647-T-C.
Other names: c.*7043T>C (NM_001290259.2, NM_001370348.2, NM_001370349.2 and 2 more transcripts); c.9343A>G, p.Arg3115Gly (NM_001292009.2); short protein forms R3115G, R3094G.
Identifiers: ClinVar variation 1956290 (VCV001956290.2), dbSNP rs2533385672, ClinGen allele CA364382842.